The following is an entry in ClinVar:

ClinVar aggregate classification (germline): Uncertain significance. Review status: criteria provided, multiple submitters, no conflicts (2 of 4 stars). 2 submissions from 2 submitters: Uncertain significance (2). Last evaluated 2025-10-07.

Conditions:
PXDN-related disorder. Also called: PXDN-related condition.
Inborn genetic diseases. Identifiers: MedGen C0950123, MeSH D030342.

gnomAD v4.1: 16 of 1,614,000 alleles (0.00099%); highest among the groups gnomAD compares: East Asian, 0.0022%; no homozygotes.

Submissions (2):

Ambry Genetics
Classification: Uncertain significance for Inborn genetic diseases. Last evaluated: 2025-10-07. Review status: criteria provided, single submitter. Criteria: Ambry Variant Classification Scheme 2023. Collection method: clinical testing. Allele origin: germline.

PreventionGenetics, part of Exact Sciences
Classification: Uncertain significance for PXDN-related condition. Last evaluated: 2025-03-04. Review status: criteria provided, single submitter. Criteria: ACMG Guidelines, 2015. Collection method: clinical testing. Allele origin: germline.
Comment: The PXDN c.611C>T variant is predicted to result in the amino acid substitution p.Ala204Val. To our knowledge, this variant has not been reported in the literature. This variant is reported in 0.0035% of alleles in individuals of European (Non-Finnish) descent in gnomAD. At this time, the clinical significance of this variant is uncertain due to the absence of conclusive functional and genetic evidence.

NM_012293.3(PXDN):c.611C>T (p.Ala204Val)

Gene: PXDN (peroxidasin; minus strand). Cytogenetic location: 2p25.3.
Variant type: single nucleotide variant.
Coding change: c.611C>T on transcript NM_012293.3 (MANE Select); coding-DNA position 611, C replaced by T.
Protein change: p.Ala204Val; replaces alanine 204 with valine.
Molecular consequence: missense variant.
Genome position (GRCh38, 1-based): chr2:1,680,312, G>A on the plus strand (C>T on the coding strand, the complement: PXDN is on the minus strand). VCF-style: chr2-1680312-G-A. GRCh37 (hg19) VCF-style: chr2-1684084-G-A.
Other names: c.611C>T (NM_012293.2); short protein forms A204V.
Identifiers: ClinVar variation 4628697 (VCV004628697.2).